The following is an entry in ClinVar:

ClinVar aggregate classification (germline): Uncertain significance (1 of 4 stars; one submission).

Allele frequency attached by ClinVar (database versions not stated): gnomAD 0.00003; gnomAD exomes below 0.00001 and 0.00001.
gnomAD v4.1: 20 of 1,612,426 alleles (0.0012%); highest among the groups gnomAD compares: Non-Finnish European, 0.0014%; no homozygotes.

Submission:

Labcorp Genetics (formerly Invitae), Labcorp
Classification: Uncertain significance. Last evaluated: 2025-12-08. Review status: criteria provided, single submitter. Criteria: Invitae Variant Classification Sherloc (09022015). Collection method: clinical testing. Allele origin: germline.
Comment: This sequence change replaces proline, which is neutral and non-polar, with leucine, which is neutral and non-polar, at codon 1390 of the SRCAP protein (p.Pro1390Leu). This variant is present in population databases (no rsID available, gnomAD 0.0009%). This variant has not been reported in the literature in individuals affected with SRCAP-related conditions. ClinVar contains an entry for this variant (Variation ID: 1418790). Invitae Evidence Modeling of protein sequence and biophysical properties (such as structural, functional, and spatial information, amino acid conservation, physicochemical variation, residue mobility, and thermodynamic stability) has been performed for this missense variant. However, the output from this modeling did not meet the statistical confidence thresholds required to predict the impact of this variant on SRCAP protein function. In summary, the available evidence is currently insufficient to determine the role of this variant in disease. Therefore, it has been classified as a Variant of Uncertain Significance.

NM_006662.3(SRCAP):c.4169C>T (p.Pro1390Leu)

Gene: SRCAP (Snf2 related CREBBP activator protein; plus strand). Cytogenetic location: 16p11.2.
Variant type: single nucleotide variant.
Coding change: c.4169C>T on transcript NM_006662.3 (MANE Select); coding-DNA position 4169, C replaced by T.
Protein change: p.Pro1390Leu; replaces proline 1390 with leucine.
Molecular consequence: missense variant.
Genome position (GRCh38, 1-based): chr16:30,723,593, C>T. VCF-style: chr16-30723593-C-T. GRCh37 (hg19) VCF-style: chr16-30734914-C-T.
Other names: short protein forms P1390L.
Identifiers: ClinVar variation 1418790 (VCV001418790.6), dbSNP rs1287163628, ClinGen allele CA395615468.